The following is an entry in ClinVar:

ClinVar aggregate classification (germline): Uncertain significance. Review status: criteria provided, multiple submitters, no conflicts (2 of 4 stars). 2 submissions from 2 submitters: Uncertain significance (2). Last evaluated 2022-11-20.

Conditions:
Inborn genetic diseases. Identifiers: MedGen C0950123, MeSH D030342.
Hereditary sensory neuropathy-deafness-dementia syndrome. Also called: Hereditary sensory neuropathy type IE; NEUROPATHY, HEREDITARY SENSORY, WITH HEARING LOSS AND DEMENTIA; Hereditary Sensory and Autonomic Neuropathy Type 1E (HSAN1E); HSN IE. Identifiers: Orphanet 456318, MedGen C3279885, MONDO:0013584, OMIM 614116.

Allele frequency attached by ClinVar (database versions not stated): ExAC 0.00001; gnomAD exomes 0.00001; 1000 Genomes Project 30x 0.00016; 1000 Genomes Project 0.00020.
gnomAD v4.1: 11 of 1,614,076 alleles (0.00068%); highest among the groups gnomAD compares: East Asian, 0.0045%; no homozygotes.

Submissions (2):

Labcorp Genetics (formerly Invitae), Labcorp
Classification: Uncertain significance for Hereditary sensory neuropathy-deafness-dementia syndrome. Last evaluated: 2022-11-20. Review status: criteria provided, single submitter. Criteria: Invitae Variant Classification Sherloc (09022015). Collection method: clinical testing. Allele origin: germline.
Comment: In summary, the available evidence is currently insufficient to determine the role of this variant in disease. Therefore, it has been classified as a Variant of Uncertain Significance. Advanced modeling of protein sequence and biophysical properties (such as structural, functional, and spatial information, amino acid conservation, physicochemical variation, residue mobility, and thermodynamic stability) performed at Invitae indicates that this missense variant is not expected to disrupt DNMT1 protein function. This variant has not been reported in the literature in individuals affected with DNMT1-related conditions. This variant is present in population databases (rs550380640, gnomAD 0.006%). This sequence change replaces arginine, which is basic and polar, with tryptophan, which is neutral and slightly polar, at codon 936 of the DNMT1 protein (p.Arg936Trp).

Ambry Genetics
Classification: Uncertain significance for Inborn genetic diseases. Last evaluated: 2020-08-31. Review status: criteria provided, single submitter. Criteria: Ambry Variant Classification Scheme 2023. Collection method: clinical testing. Allele origin: germline.
Comment: The p.R920W variant (also known as c.2758C>T), located in coding exon 27 of the DNMT1 gene, results from a C to T substitution at nucleotide position 2758. The arginine at codon 920 is replaced by tryptophan, an amino acid with dissimilar properties. This amino acid position is not well conserved in available vertebrate species. In addition, this alteration is predicted to be tolerated by in silico analysis. Since supporting evidence is limited at this time, the clinical significance of this alteration remains unclear.

NM_001130823.3(DNMT1):c.2806C>T (p.Arg936Trp)

Gene: DNMT1 (DNA methyltransferase 1; minus strand). Cytogenetic location: 19p13.2.
Variant type: single nucleotide variant.
Coding change: c.2806C>T on transcript NM_001130823.3 (MANE Select); coding-DNA position 2806, C replaced by T.
Protein change: p.Arg936Trp; replaces arginine 936 with tryptophan.
Molecular consequence: missense variant.
Genome position (GRCh38, 1-based): chr19:10,146,439, G>A on the plus strand (C>T on the coding strand, the complement: DNMT1 is on the minus strand). VCF-style: chr19-10146439-G-A. GRCh37 (hg19) VCF-style: chr19-10257115-G-A.
Other names: c.2758C>T, p.Arg920Trp (NM_001318730.2, NM_001379.4); c.2443C>T, p.Arg815Trp (NM_001318731.2); short protein forms R920W, R936W, R815W.
Identifiers: ClinVar variation 1795632 (VCV001795632.5), dbSNP rs550380640, ClinGen allele CA9187935.
Genomic context (GRCh38, chr19:10,146,439, plus strand): 5'-ACACACCATCACCAACTCGGTACAGGATGCCGTTCTTGGTGGCTGAGTAGTAGAGGACCC[G>A]GCTATCCAGGTCCTCGAGCTGCTCCAGGACCCTGGGGATTTCTTTTTGCCTCATCTCAGC-3'
Protein context (NP_001124295.1, residues 926-946): VLEQLEDLDS[Arg936Trp]VLYYSATKNG